The following is an entry in ClinVar:

NM_000552.5(VWF):c.3579T>C (p.Pro1193=)

Gene: VWF (von Willebrand factor; minus strand). Cytogenetic location: 12p13.31.
Variant type: single nucleotide variant.
Coding change: c.3579T>C on transcript NM_000552.5 (MANE Select); coding-DNA position 3579, T replaced by C.
Protein change: p.Pro1193=; no amino-acid change (proline 1193 retained).
Molecular consequence: synonymous variant.
Genome position (GRCh38, 1-based): chr12:6,021,995, A>G on the plus strand (T>C on the coding strand, the complement: VWF is on the minus strand). VCF-style: chr12-6021995-A-G. GRCh37 (hg19) VCF-style: chr12-6131161-A-G.
Other names: p.Pro1193=; c.3579T>C (NM_000552.4).
Identifiers: ClinVar variation 256673 (VCV000256673.18), dbSNP rs16933969, ClinGen allele CA6402732.

ClinVar aggregate classification (germline): Benign/Likely benign. Review status: criteria provided, multiple submitters, no conflicts (2 of 4 stars). 8 submissions from 6 submitters: Benign (7); Likely benign (1). Last evaluated 2023-08-21.

Conditions:
von Willebrand disease type 2 (VWD2). Also called: VON WILLEBRAND DISEASE, TYPE II; VWD, TYPE 2; VON WILLEBRAND DISEASE, TYPE 2A/IIE; VON WILLEBRAND DISEASE, TYPE 2CB. Identifiers: Orphanet 166081, Orphanet 903, MedGen C1264040, MONDO:0013304, OMIM 613554.
von Willebrand disease type 3 (VWD3). Also called: Type 3 Von Willebrand's disease; Type 3 VWD; Von Willebrand disease, severe form; V WD3; VON WILLEBRAND DISEASE, TYPE III. Identifiers: Orphanet 166096, MedGen C1264041, MONDO:0010191, OMIM 277480.
von Willebrand disease type 1 (VWD1). Also called: VON WILLEBRAND DISEASE, TYPE I; VWD, TYPE 1. Identifiers: Orphanet 166078, Orphanet 903, MedGen C1264039, MONDO:0008668, OMIM 193400. Inheritance: autosomal recessive or autosomal dominant.

Allele frequency attached by ClinVar (database versions not stated): gnomAD 0.06434 and 0.06947; TOPMed 0.07394; ESP Exome Variant Server 0.07497; 1000 Genomes Project 0.07608; 1000 Genomes Project 30x 0.08245.
gnomAD v4.1: 19,714 of 1,614,118 alleles (1.2%); highest among the groups gnomAD compares: African/African-American, 22%; 1,896 homozygotes.

Submissions (8):

Mayo Clinic Laboratories, Mayo Clinic
Classification: Benign. Last evaluated: 2023-08-21. Review status: criteria provided, single submitter. Criteria: ACMG Guidelines, 2015. Collection method: clinical testing. Allele origin: germline. Observed: 25 variant alleles.
Comment: BA1, BS1, BP4, BP7

Quest Diagnostics Nichols Institute San Juan Capistrano
Classification: Benign. Last evaluated: 2022-04-28. Review status: criteria provided, single submitter. Criteria: Quest Diagnostics criteria. Collection method: clinical testing. Allele origin: unknown.

Genome-Nilou Lab
Classification: Benign for von Willebrand disease type 1. Last evaluated: 2021-12-05. Review status: criteria provided, single submitter. Criteria: ACMG Guidelines, 2015. Collection method: clinical testing. Allele origin: germline. Affected: no.

Genome-Nilou Lab
Classification: Benign for von Willebrand disease type 3. Last evaluated: 2021-12-05. Review status: criteria provided, single submitter. Criteria: ACMG Guidelines, 2015. Collection method: clinical testing. Allele origin: germline. Affected: no.

Genome-Nilou Lab
Classification: Benign for von Willebrand disease type 2. Last evaluated: 2021-12-05. Review status: criteria provided, single submitter. Criteria: ACMG Guidelines, 2015. Collection method: clinical testing. Allele origin: germline. Affected: no.

ARUP Laboratories, Molecular Genetics and Genomics, ARUP Laboratories
Classification: Benign. Last evaluated: 2020-05-22. Review status: criteria provided, single submitter. Criteria: ARUP Molecular Germline Variant Investigation Process. Collection method: clinical testing. Allele origin: germline.

Breakthrough Genomics
Classification: Likely benign. Review status: criteria provided, single submitter. Criteria: ACMG Guidelines, 2015. Collection method: not provided. Allele origin: germline. Inheritance: Autosomal recessive inheritance. Affected: yes.

PreventionGenetics, part of Exact Sciences
Classification: Benign. Review status: criteria provided, single submitter. Criteria: ACMG Guidelines, 2015. Collection method: clinical testing. Allele origin: germline.